The following is an entry in ClinVar:

ClinVar aggregate classification (germline): Uncertain significance. Review status: criteria provided, multiple submitters, no conflicts (2 of 4 stars). 5 submissions from 5 submitters: Uncertain significance (5). Last evaluated 2026-03-10.

Conditions:
Epidermolysis bullosa simplex 5B, with muscular dystrophy (EBS5B). Also called: Epidermolysis bullosa simplex with muscular dystrophy; EPIDERMOLYSIS BULLOSA SIMPLEX AND LIMB-GIRDLE MUSCULAR DYSTROPHY. Identifiers: Orphanet 257, MedGen C2931072, MONDO:0009181, OMIM 226670.
Autosomal recessive limb-girdle muscular dystrophy type 2Q (LGMDR17). Also called: MUSCULAR DYSTROPHY, LIMB-GIRDLE, AUTOSOMAL RECESSIVE 17. Identifiers: Orphanet 254361, MedGen C3150989, MONDO:0013390, OMIM 613723.
Epidermolysis bullosa simplex 5C, with pyloric atresia (EBS5C). Also called: PLEC-Related Epidermolysis Bullosa with Pyloric Atresia; PLEC1-Related Epidermolysis Bullosa with Pyloric Atresia; Epidermolysis bullosa simplex with pyloric atresia. Identifiers: Orphanet 158684, MedGen C2677349, MONDO:0012807, OMIM 612138.
Epidermolysis bullosa simplex, Ogna type (EBS5A). Also called: Pidermolysis bullosa simplex 5A, Ogna type; EPIDERMOLYSIS BULLOSA SIMPLEX 5A, OGNA TYPE. Identifiers: Orphanet 79401, MedGen C0432317, MONDO:0007555, OMIM 131950.
Epidermolysis bullosa simplex with nail dystrophy (EBS5D). Identifiers: MedGen C4225309, MONDO:0014661, OMIM 616487.
PLEC-related disorder. Also called: PLEC-related condition; PLEC-related disorders.
Inborn genetic diseases. Identifiers: MedGen C0950123, MeSH D030342.

Allele frequency attached by ClinVar (database versions not stated): gnomAD exomes below 0.00001 and 0.00001; ExAC 0.00001; TOPMed 0.00007; gnomAD 0.00009; ESP Exome Variant Server 0.00016; 1000 Genomes Project 0.00020; 1000 Genomes Project 30x 0.00031.
gnomAD v4.1: 19 of 1,611,004 alleles (0.0012%); highest among the groups gnomAD compares: African/African-American, 0.021%; no homozygotes.

Submissions (5):

PreventionGenetics, part of Exact Sciences
Classification: Uncertain significance for PLEC-related condition. Last evaluated: 2026-03-10. Review status: criteria provided, single submitter. Criteria: ACMG Guidelines, 2015. Collection method: clinical testing. Allele origin: germline.
Comment: The PLEC c.9389C>T variant is predicted to result in the amino acid substitution p.Thr3130Ile. To our knowledge, this variant has not been reported in the literature. This variant is reported in 0.021% of alleles in individuals of African descent in gnomAD. At this time, the clinical significance of this variant is uncertain due to the absence of conclusive functional and genetic evidence.

Labcorp Genetics (formerly Invitae), Labcorp
Classification: Uncertain significance for Autosomal recessive limb-girdle muscular dystrophy type 2Q; Epidermolysis bullosa simplex, Ogna type; Epidermolysis bullosa simplex with nail dystrophy; Epidermolysis bullosa simplex 5C, with pyloric atresia; Epidermolysis bullosa simplex 5B, with muscular dystrophy. Last evaluated: 2025-11-22. Review status: criteria provided, single submitter. Criteria: Invitae Variant Classification Sherloc (09022015). Collection method: clinical testing. Allele origin: germline.
Comment: This sequence change replaces threonine, which is neutral and polar, with isoleucine, which is neutral and non-polar, at codon 3130 of the PLEC protein (p.Thr3130Ile). This variant is present in population databases (rs201848397, gnomAD 0.02%). This variant has not been reported in the literature in individuals affected with PLEC-related conditions. ClinVar contains an entry for this variant (Variation ID: 643410). An algorithm developed to predict the effect of missense changes on protein structure and function (PolyPhen-2) suggests that this variant is likely to be disruptive. In summary, the available evidence is currently insufficient to determine the role of this variant in disease. Therefore, it has been classified as a Variant of Uncertain Significance.

Ambry Genetics
Classification: Uncertain significance for Inborn genetic diseases. Last evaluated: 2024-10-21. Review status: criteria provided, single submitter. Criteria: Ambry Variant Classification Scheme 2023. Collection method: clinical testing. Allele origin: germline.

GeneDx
Classification: Uncertain significance. Last evaluated: 2024-08-22. Review status: criteria provided, single submitter. Criteria: GeneDx Variant Classification Process June 2021. Collection method: clinical testing. Allele origin: germline. Affected: yes.
Comment: In silico analysis indicates that this missense variant does not alter protein structure/function; Has not been previously published as pathogenic or benign to our knowledge

Revvity Omics, Revvity
Classification: Uncertain significance. Last evaluated: 2023-06-06. Review status: criteria provided, single submitter. Criteria: ACMG Guidelines, 2015. Collection method: clinical testing. Allele origin: germline.

NM_201384.3(PLEC):c.9308C>T (p.Thr3103Ile)

Gene: PLEC (plectin; minus strand). Cytogenetic location: 8q24.3.
Variant type: single nucleotide variant.
Coding change: c.9308C>T on transcript NM_201384.3 (MANE Select); coding-DNA position 9308, C replaced by T.
Protein change: p.Thr3103Ile; replaces threonine 3103 with isoleucine.
Molecular consequence: missense variant.
Genome position (GRCh38, 1-based): chr8:143,920,513, G>A on the plus strand (C>T on the coding strand, the complement: PLEC is on the minus strand). VCF-style: chr8-143920513-G-A. GRCh37 (hg19) VCF-style: chr8-144994681-G-A.
Other names: c.9389C>T (NM_000445.3); c.9389C>T, p.Thr3130Ile (NM_000445.5); c.9266C>T, p.Thr3089Ile (NM_201378.4); c.9242C>T, p.Thr3081Ile (NM_201379.3); c.9719C>T, p.Thr3240Ile (NM_201380.4); c.9212C>T, p.Thr3071Ile (NM_201381.3); c.9308C>T, p.Thr3103Ile (NM_201382.4); c.9320C>T, p.Thr3107Ile (NM_201383.3); short protein forms T3081I, T3130I, T3240I, T3103I, T3071I, T3089I, T3107I.
Identifiers: ClinVar variation 643410 (VCV000643410.13), dbSNP rs201848397, ClinGen allele CA4925008.